The following is an entry in ClinVar:

NM_000455.5(STK11):c.979G>T (p.Asp327Tyr)

Gene: STK11 (serine/threonine kinase 11; plus strand). Cytogenetic location: 19p13.3.
Variant type: single nucleotide variant.
Coding change: c.979G>T on transcript NM_000455.5 (MANE Select); coding-DNA position 979, G replaced by T.
Protein change: p.Asp327Tyr; replaces aspartic acid 327 with tyrosine.
Molecular consequence: missense variant.
Genome position (GRCh38, 1-based): chr19:1,223,043, G>T. VCF-style: chr19-1223043-G-T. GRCh37 (hg19) VCF-style: chr19-1223042-G-T.
Other names: c.979G>T, p.Asp327Tyr (NM_001407255.1); short protein forms D327Y.
Identifiers: ClinVar variation 1768237 (VCV001768237.5), dbSNP rs1568712119, ClinGen allele CA402951602.

ClinVar aggregate classification (germline): Uncertain significance. Review status: criteria provided, multiple submitters, no conflicts (2 of 4 stars). 2 submissions from 2 submitters: Uncertain significance (2). Last evaluated 2025-09-03.

Conditions:
Peutz-Jeghers syndrome (PJS). Also called: POLYPOSIS, HAMARTOMATOUS INTESTINAL; POLYPS-AND-SPOTS SYNDROME; Peutz-Jeghers polyposis; Periorificial lentiginosis syndrome. Identifiers: Orphanet 2869, MedGen C0031269, MeSH D010580, MONDO:0008280, OMIM 175200.
Hereditary cancer-predisposing syndrome. Also called: Tumor predisposition; Neoplastic Syndromes, Hereditary; Hereditary Cancer Syndrome; Hereditary neoplastic syndrome. Identifiers: Orphanet 140162, MedGen C0027672, MeSH D009386, MONDO:0015356.

Submissions (2):

Ambry Genetics
Classification: Uncertain significance for Hereditary cancer-predisposing syndrome. Last evaluated: 2025-09-03. Review status: criteria provided, single submitter. Criteria: Ambry Variant Classification Scheme 2023. Collection method: clinical testing. Allele origin: germline.
Comment: The p.D327Y variant (also known as c.979G>T), located in coding exon 8 of the STK11 gene, results from a G to T substitution at nucleotide position 979. The aspartic acid at codon 327 is replaced by tyrosine, an amino acid with highly dissimilar properties. This amino acid position is conserved. In addition, this alteration is predicted to be tolerated by in silico analysis. Based on the available evidence, the clinical significance of this variant remains unclear.

Labcorp Genetics (formerly Invitae), Labcorp
Classification: Uncertain significance for Peutz-Jeghers syndrome. Last evaluated: 2025-05-28. Review status: criteria provided, single submitter. Criteria: Invitae Variant Classification Sherloc (09022015). Collection method: clinical testing. Allele origin: germline.
Comment: This sequence change replaces aspartic acid, which is acidic and polar, with tyrosine, which is neutral and polar, at codon 327 of the STK11 protein (p.Asp327Tyr). This variant is not present in population databases (gnomAD no frequency). This variant has not been reported in the literature in individuals affected with STK11-related conditions. ClinVar contains an entry for this variant (Variation ID: 1768237). Invitae Evidence Modeling of protein sequence and biophysical properties (such as structural, functional, and spatial information, amino acid conservation, physicochemical variation, residue mobility, and thermodynamic stability) has been performed for this missense variant. However, the output from this modeling did not meet the statistical confidence thresholds required to predict the impact of this variant on STK11 protein function. In summary, the available evidence is currently insufficient to determine the role of this variant in disease. Therefore, it has been classified as a Variant of Uncertain Significance.